The following is an entry in ClinVar:

ClinVar aggregate classification (germline): Uncertain significance (1 of 4 stars; one submission).

gnomAD v4.1: 6 of 1,605,136 alleles (0.00037%); highest among the groups gnomAD compares: Admixed American, 0.0017%; no homozygotes.

Submission:

GeneDx
Classification: Uncertain significance. Last evaluated: 2024-10-01. Review status: criteria provided, single submitter. Criteria: GeneDx Variant Classification Process June 2021. Collection method: clinical testing. Allele origin: germline. Affected: yes.
Comment: In silico analysis supports that this missense variant has a deleterious effect on protein structure/function; Has not been previously published as pathogenic or benign to our knowledge; Variants in candidate genes are classified as variants of uncertain significance in accordance with ACMG guidelines (PMID: 25741868)

NM_001347886.2(DNAH3):c.4339G>A (p.Val1447Met)

Gene: DNAH3 (dynein axonemal heavy chain 3; minus strand). Cytogenetic location: 16p12.3.
Variant type: single nucleotide variant.
Coding change: c.4339G>A on transcript NM_001347886.2 (MANE Select); coding-DNA position 4339, G replaced by A.
Protein change: p.Val1447Met; replaces valine 1447 with methionine.
Molecular consequence: missense variant.
Genome position (GRCh38, 1-based): chr16:21,042,188, C>T on the plus strand (G>A on the coding strand, the complement: DNAH3 is on the minus strand). VCF-style: chr16-21042188-C-T. GRCh37 (hg19) VCF-style: chr16-21053510-C-T.
Other names: c.4477G>A, p.Val1493Met (NM_017539.2); short protein forms V1447M, V1493M.
Identifiers: ClinVar variation 3776467 (VCV003776467.1).
Genomic context (GRCh38, chr16:21,042,188, plus strand): 5'-TGAATGTCTTTAGCTTCCGAATGATGGCTTGTTGGATGCTGAGGATCTGCTGAGCGACCA[C>T]AGACAGCACTTCTACCTGGGGTGAGAATGCCCGGCTGATAAGAGCATCTGCTTCTGTCTG-3'
Protein context (NP_001334815.1, residues 1437-1457): FNRIEVEVLS[Val1447Met]VAQQILSIQQ